The following is an entry in ClinVar:

ClinVar aggregate classification (germline): Uncertain significance (1 of 4 stars; one submission).

Conditions:
Neuronal ceroid lipofuscinosis. Also called: Neuronal Ceroid Lipofuscinoses. Identifiers: Orphanet 216, Orphanet 79263, MedGen C0027877, MONDO:0016295. Disease mechanism: loss of function.

Allele frequency attached by ClinVar (database versions not stated): gnomAD exomes below 0.00001; ExAC 0.00001; TOPMed 0.00001.
gnomAD v4.1: 1 of 1,614,262 alleles (0.000062%); highest among the groups gnomAD compares: East Asian, 0.0022%; no homozygotes.

Submission:

Labcorp Genetics (formerly Invitae), Labcorp
Classification: Uncertain significance for Neuronal ceroid lipofuscinosis. Last evaluated: 2022-06-30. Review status: criteria provided, single submitter. Criteria: Invitae Variant Classification Sherloc (09022015). Collection method: clinical testing. Allele origin: germline.
Comment: This sequence change replaces histidine, which is basic and polar, with glutamine, which is neutral and polar, at codon 230 of the CLN8 protein (p.His230Gln). This variant is present in population databases (rs763245814, gnomAD 0.006%). This variant has not been reported in the literature in individuals affected with CLN8-related conditions. Advanced modeling of protein sequence and biophysical properties (such as structural, functional, and spatial information, amino acid conservation, physicochemical variation, residue mobility, and thermodynamic stability) performed at Invitae indicates that this missense variant is not expected to disrupt CLN8 protein function. Algorithms developed to predict the effect of sequence changes on RNA splicing suggest that this variant may create or strengthen a splice site. In summary, the available evidence is currently insufficient to determine the role of this variant in disease. Therefore, it has been classified as a Variant of Uncertain Significance.

NM_018941.4(CLN8):c.690T>G (p.His230Gln)

Gene: CLN8 (CLN8 transmembrane ER and ERGIC protein; plus strand). Cytogenetic location: 8p23.3.
Variant type: single nucleotide variant.
Coding change: c.690T>G on transcript NM_018941.4 (MANE Select); coding-DNA position 690, T replaced by G.
Protein change: p.His230Gln; replaces histidine 230 with glutamine.
Molecular consequence: missense variant.
Genome position (GRCh38, 1-based): chr8:1,780,396, T>G. VCF-style: chr8-1780396-T-G. GRCh37 (hg19) VCF-style: chr8-1728562-T-G.
Other names: short protein forms H230Q.
Identifiers: ClinVar variation 1916585 (VCV001916585.2), dbSNP rs763245814, ClinGen allele CA4599335.